The following is an entry in ClinVar:

ClinVar aggregate classification (germline): Uncertain significance (1 of 4 stars; one submission).

Submission:

GeneDx
Classification: Uncertain significance. Last evaluated: 2025-04-07. Review status: criteria provided, single submitter. Criteria: GeneDx Variant Classification Process June 2021. Collection method: clinical testing. Allele origin: germline. Affected: yes.
Comment: Not observed at significant frequency in large population cohorts (gnomAD); In silico analysis supports that this missense variant has a deleterious effect on protein structure/function; Has not been previously published as pathogenic or benign to our knowledge

NM_182894.3(VSX2):c.691C>T (p.Pro231Ser)

Gene: VSX2 (visual system homeobox 2; plus strand). Cytogenetic location: 14q24.3.
Variant type: single nucleotide variant.
Coding change: c.691C>T on transcript NM_182894.3 (MANE Select); coding-DNA position 691, C replaced by T.
Protein change: p.Pro231Ser; replaces proline 231 with serine.
Molecular consequence: missense variant.
Genome position (GRCh38, 1-based): chr14:74,259,713, C>T. VCF-style: chr14-74259713-C-T. GRCh37 (hg19) VCF-style: chr14-74726416-C-T.
Other names: short protein forms P231S.
Identifiers: ClinVar variation 4281953 (VCV004281953.1).